The following is an entry in ClinVar:

ClinVar aggregate classification (germline): Benign. Review status: criteria provided, single submitter (1 of 4 stars). 2 submissions from 2 submitters: Benign (1). 1 of the submissions does not count toward it. Last evaluated 2018-03-29.

Conditions:
PREX2-related disorder. Also called: PREX2-related condition.

Allele frequency attached by ClinVar (database versions not stated): ExAC 0.00090; 1000 Genomes Project 0.00200; 1000 Genomes Project 30x 0.00203; gnomAD 0.00253 and 0.00262; TOPMed 0.00258; ESP Exome Variant Server 0.00269.
gnomAD v4.1: 886 of 1,613,026 alleles (0.055%); highest among the groups gnomAD compares: African/African-American, 0.8%; 4 homozygotes.

Submissions (2):

Labcorp Genetics (formerly Invitae), Labcorp
Classification: Benign. Last evaluated: 2018-03-29. Review status: criteria provided, single submitter. Criteria: Invitae Variant Classification Sherloc (09022015). Collection method: clinical testing. Allele origin: germline.

PreventionGenetics, part of Exact Sciences
Classification: Benign for PREX2-related condition. Last evaluated: 2019-04-11. Review status: no assertion criteria provided. Collection method: clinical testing. Allele origin: germline. Not counted in ClinVar's aggregate classification.
Comment: This variant is classified as benign based on ACMG/AMP sequence variant interpretation guidelines (Richards et al. 2015 PMID: 25741868, with internal and published modifications).

NM_024870.4(PREX2):c.705+8C>T

Gene: PREX2 (phosphatidylinositol-3,4,5-trisphosphate dependent Rac exchange factor 2; plus strand). Cytogenetic location: 8q13.2.
Variant type: single nucleotide variant.
Coding change: c.705+8C>T on transcript NM_024870.4 (MANE Select); 8 bases into the intron after coding-DNA position 705, C replaced by T.
Molecular consequence: intron variant.
Genome position (GRCh38, 1-based): chr8:68,030,666, C>T. VCF-style: chr8-68030666-C-T. GRCh37 (hg19) VCF-style: chr8-68942901-C-T.
Other names: c.705+8C>T (NM_025170.6).
Identifiers: ClinVar variation 725836 (VCV000725836.5), dbSNP rs111476269, ClinGen allele CA4773381.